The following is an entry in ClinVar:

ClinVar aggregate classification (germline): Uncertain significance (1 of 4 stars; one submission).

Allele frequency attached by ClinVar (database versions not stated): gnomAD exomes below 0.00001.
gnomAD v4.1: 1 of 1,613,880 alleles (0.000062%); highest among the groups gnomAD compares: Non-Finnish European, 0.000085%; no homozygotes.

Submission:

Ambry Genetics
Classification: Uncertain significance. Last evaluated: 2022-11-17. Review status: criteria provided, single submitter. Criteria: Ambry Variant Classification Scheme 2023. Collection method: clinical testing. Allele origin: germline.
Comment: The p.S676F variant (also known as c.2027C>T), located in coding exon 20 of the KIF1B gene, results from a C to T substitution at nucleotide position 2027. The serine at codon 676 is replaced by phenylalanine, an amino acid with highly dissimilar properties. This amino acid position is highly conserved in available vertebrate species. In addition, this alteration is predicted to be deleterious by in silico analysis. Since supporting evidence is limited at this time, the clinical significance of this alteration remains unclear.

NM_001365951.3(KIF1B):c.2165C>T (p.Ser722Phe)

Gene: KIF1B (kinesin family member 1B; plus strand). Cytogenetic location: 1p36.22.
Variant type: single nucleotide variant.
Coding change: c.2165C>T on transcript NM_001365951.3 (MANE Select); coding-DNA position 2165, C replaced by T.
Protein change: p.Ser722Phe; replaces serine 722 with phenylalanine.
Molecular consequence: missense variant.
Genome position (GRCh38, 1-based): chr1:10,320,092, C>T. VCF-style: chr1-10320092-C-T. GRCh37 (hg19) VCF-style: chr1-10380150-C-T.
Other names: c.2165C>T, p.Ser722Phe (NM_001365952.1); c.2027C>T, p.Ser676Phe (NM_015074.3); short protein forms S676F, S722F.
Identifiers: ClinVar variation 1784669 (VCV001784669.3), dbSNP rs1416775242, ClinGen allele CA338332341.